The following is an entry in ClinVar:

ClinVar aggregate classification (germline): Uncertain significance. Review status: criteria provided, multiple submitters, no conflicts (2 of 4 stars). 6 submissions from 6 submitters: Uncertain significance (5). 1 of the submissions does not count toward it. Last evaluated 2026-05-18.

Conditions:
Inborn genetic diseases. Identifiers: MedGen C0950123, MeSH D030342.
Ehlers-Danlos syndrome, dermatosparaxis type. Also called: Dermatosparaxis; EDS VIIC; Ehlers-Danlos syndrome, type VII, autosomal recessive. Identifiers: Orphanet 1901, MedGen C2700425, MONDO:0009161, OMIM 225410.

Allele frequency attached by ClinVar (database versions not stated): ExAC 0.00004; gnomAD 0.00004 and 0.00005; gnomAD exomes 0.00006 and 0.00012; TOPMed 0.00007.
gnomAD v4.1: 189 of 1,614,056 alleles (0.012%); highest among the groups gnomAD compares: Middle Eastern, 0.12%; 1 homozygote.

Submissions (6):

Women's Health and Genetics/Laboratory Corporation of America, LabCorp
Classification: Uncertain significance. Last evaluated: 2026-05-18. Review status: criteria provided, single submitter. Criteria: LabCorp Variant Classification Summary - May 2015. Collection method: clinical testing. Allele origin: germline.
Comment: Variant summary: ADAMTS2 c.2230A>G (p.Ile744Val) results in a conservative amino acid change in the encoded protein sequence. Algorithms developed to predict the effect of missense changes on protein structure and function are either unavailable or do not agree on the potential impact of this missense change. The variant allele was found at a frequency of 6e-05 in 251316 control chromosomes, predominantly at a frequency of 0.00011 within the Non-Finnish European subpopulation in the gnomAD database. This frequency is not significantly higher than estimated for disease-causing variants in ADAMTS2, allowing no conclusion about variant significance. To our knowledge, no occurrence of c.2230A>G in individuals affected with ADAMTS2-related conditions and no experimental evidence demonstrating its impact on protein function have been reported. ClinVar contains an entry for this variant (Variation ID: 537402). Based on the evidence outlined above, the variant was classified as uncertain significance.

Mayo Clinic Laboratories, Mayo Clinic
Classification: Uncertain significance. Last evaluated: 2025-07-21. Review status: criteria provided, single submitter. Criteria: ACMG Guidelines, 2015. Collection method: clinical testing. Allele origin: germline. Observed: 2 variant alleles.
Comment: BP1

Ambry Genetics
Classification: Uncertain significance for Inborn genetic diseases. Last evaluated: 2025-04-09. Review status: criteria provided, single submitter. Criteria: Ambry Variant Classification Scheme 2023. Collection method: clinical testing. Allele origin: germline.

Blueprint Genetics
Classification: Uncertain significance. Last evaluated: 2024-10-02. Review status: criteria provided, single submitter. Criteria: ACMG Guidelines, 2015. Collection method: clinical testing. Allele origin: germline.

Labcorp Genetics (formerly Invitae), Labcorp
Classification: Uncertain significance for Ehlers-Danlos syndrome, dermatosparaxis type. Last evaluated: 2022-08-12. Review status: criteria provided, single submitter. Criteria: Invitae Variant Classification Sherloc (09022015). Collection method: clinical testing. Allele origin: germline.
Comment: This sequence change replaces isoleucine, which is neutral and non-polar, with valine, which is neutral and non-polar, at codon 744 of the ADAMTS2 protein (p.Ile744Val). This variant is present in population databases (rs201241062, gnomAD 0.01%). This variant has not been reported in the literature in individuals affected with ADAMTS2-related conditions. ClinVar contains an entry for this variant (Variation ID: 537402). Algorithms developed to predict the effect of missense changes on protein structure and function (SIFT, PolyPhen-2, Align-GVGD) all suggest that this variant is likely to be disruptive. In summary, the available evidence is currently insufficient to determine the role of this variant in disease. Therefore, it has been classified as a Variant of Uncertain Significance.

Natera, Inc.
Classification: Uncertain significance for Ehlers-Danlos syndrome type VIIC. Last evaluated: 2019-10-28. Review status: no assertion criteria provided. Collection method: clinical testing. Allele origin: germline. Not counted in ClinVar's aggregate classification.

NM_014244.5(ADAMTS2):c.2230A>G (p.Ile744Val)

Gene: ADAMTS2 (ADAM metallopeptidase with thrombospondin type 1 motif 2; minus strand). Cytogenetic location: 5q35.3.
Variant type: single nucleotide variant.
Coding change: c.2230A>G on transcript NM_014244.5 (MANE Select); coding-DNA position 2230, A replaced by G.
Protein change: p.Ile744Val; replaces isoleucine 744 with valine.
Molecular consequence: missense variant.
Genome position (GRCh38, 1-based): chr5:179,132,290, T>C on the plus strand (A>G on the coding strand, the complement: ADAMTS2 is on the minus strand). VCF-style: chr5-179132290-T-C. GRCh37 (hg19) VCF-style: chr5-178559291-T-C.
Other names: p.Ile744Val; short protein forms I744V.
Identifiers: ClinVar variation 537402 (VCV000537402.12), dbSNP rs201241062, ClinGen allele CA3595622.